The following is an entry in ClinVar:

NM_021098.3(CACNA1H):c.1421G>A (p.Arg474His)

Gene: CACNA1H (calcium voltage-gated channel subunit alpha1 H; plus strand). Cytogenetic location: 16p13.3.
Variant type: single nucleotide variant.
Coding change: c.1421G>A on transcript NM_021098.3 (MANE Select); coding-DNA position 1421, G replaced by A.
Protein change: p.Arg474His; replaces arginine 474 with histidine.
Molecular consequence: missense variant.
Genome position (GRCh38, 1-based): chr16:1,201,871, G>A. VCF-style: chr16-1201871-G-A. GRCh37 (hg19) VCF-style: chr16-1251871-G-A.
Other names: c.1421G>A, p.Arg474His (NM_001005407.2); short protein forms R474H.
Identifiers: ClinVar variation 1318571 (VCV001318571.11), dbSNP rs769636919, ClinGen allele CA7799936.

ClinVar aggregate classification (germline): Conflicting classifications of pathogenicity. Review status: criteria provided, conflicting classifications (1 of 4 stars). 3 submissions from 3 submitters: Uncertain significance (2); Likely benign (1). Last evaluated 2025-10-10.

Conditions:
Inborn genetic diseases. Identifiers: MedGen C0950123, MeSH D030342.
Idiopathic generalized epilepsy. Also called: EIG; Generalised epilepsy. Identifiers: MedGen C0270850, MONDO:0005579, OMIM 600669.
Hyperaldosteronism, familial, type IV (HALD4). Also called: FH IV; ALDOSTERONISM, PRIMARY, AND HYPERTENSION. Identifiers: Orphanet 642671, MedGen C4310756, MONDO:0014875, OMIM 617027.

Allele frequency attached by ClinVar (database versions not stated): gnomAD exomes 0.00002; TOPMed 0.00002; gnomAD 0.00002; ExAC 0.00010.
gnomAD v4.1: 25 of 1,555,212 alleles (0.0016%); highest among the groups gnomAD compares: Middle Eastern, 0.034%; no homozygotes.

Submissions (3):

Labcorp Genetics (formerly Invitae), Labcorp
Classification: Likely benign for Idiopathic generalized epilepsy; Hyperaldosteronism, familial, type IV. Last evaluated: 2025-10-10. Review status: criteria provided, single submitter. Criteria: Invitae Variant Classification Sherloc (09022015). Collection method: clinical testing. Allele origin: germline.

Ambry Genetics
Classification: Uncertain significance for Inborn genetic diseases. Last evaluated: 2025-09-25. Review status: criteria provided, single submitter. Criteria: Ambry Variant Classification Scheme 2023. Collection method: clinical testing. Allele origin: germline.

GeneDx
Classification: Uncertain significance. Last evaluated: 2021-02-09. Review status: criteria provided, single submitter. Criteria: GeneDx Variant Classification Process June 2021. Collection method: clinical testing. Allele origin: germline. Affected: yes.
Comment: In silico analysis supports that this missense variant has a deleterious effect on protein structure/function; Has not been previously published as pathogenic or benign to our knowledge